The following is an entry in ClinVar:

NM_025074.7(FRAS1):c.7231T>G (p.Phe2411Val)

Gene: FRAS1 (Fraser extracellular matrix complex subunit 1; plus strand). Cytogenetic location: 4q21.21.
Variant type: single nucleotide variant.
Coding change: c.7231T>G on transcript NM_025074.7 (MANE Select); coding-DNA position 7231, T replaced by G.
Protein change: p.Phe2411Val; replaces phenylalanine 2411 with valine.
Molecular consequence: missense variant.
Genome position (GRCh38, 1-based): chr4:78,466,409, T>G. VCF-style: chr4-78466409-T-G. GRCh37 (hg19) VCF-style: chr4-79387563-T-G.
Other names: short protein forms F2411V.
Identifiers: ClinVar variation 2117710 (VCV002117710.4), dbSNP rs1408522747, ClinGen allele CA357404429.

ClinVar aggregate classification (germline): Uncertain significance (1 of 4 stars; one submission).

Allele frequency attached by ClinVar (database versions not stated): gnomAD exomes below 0.00001; TOPMed below 0.00001; gnomAD 0.00001.
gnomAD v4.1: 3 of 1,613,558 alleles (0.00019%); highest among the groups gnomAD compares: Non-Finnish European, 0.00025%; no homozygotes.

Submission:

Labcorp Genetics (formerly Invitae), Labcorp
Classification: Uncertain significance. Last evaluated: 2022-03-28. Review status: criteria provided, single submitter. Criteria: Invitae Variant Classification Sherloc (09022015). Collection method: clinical testing. Allele origin: germline.
Comment: In summary, the available evidence is currently insufficient to determine the role of this variant in disease. Therefore, it has been classified as a Variant of Uncertain Significance. Algorithms developed to predict the effect of missense changes on protein structure and function are either unavailable or do not agree on the potential impact of this missense change (SIFT: "Tolerated"; PolyPhen-2: "Possibly Damaging"; Align-GVGD: "Class C0"). This variant has not been reported in the literature in individuals affected with FRAS1-related conditions. This variant is not present in population databases (gnomAD no frequency). This sequence change replaces phenylalanine, which is neutral and non-polar, with valine, which is neutral and non-polar, at codon 2411 of the FRAS1 protein (p.Phe2411Val).